The following is an entry in ClinVar:

NM_022489.4(INF2):c.3461A>T (p.Asp1154Val)

Gene: INF2 (inverted formin 2; plus strand). Cytogenetic location: 14q32.33.
Variant type: single nucleotide variant.
Coding change: c.3461A>T on transcript NM_022489.4 (MANE Select); coding-DNA position 3461, A replaced by T.
Protein change: p.Asp1154Val; replaces aspartic acid 1154 with valine.
Molecular consequence: missense variant.
Genome position (GRCh38, 1-based): chr14:104,714,623, A>T. VCF-style: chr14-104714623-A-T. GRCh37 (hg19) VCF-style: chr14-105180960-A-T.
Other names: c.3461A>T, p.Asp1154Val (NM_001031714.4); short protein forms D1154V.
Identifiers: ClinVar variation 938057 (VCV000938057.41), dbSNP rs753263522, ClinGen allele CA7373261.

ClinVar aggregate classification (germline): Conflicting classifications of pathogenicity. Review status: criteria provided, conflicting classifications (1 of 4 stars). 5 submissions from 5 submitters: Uncertain significance (4); Likely benign (1). Last evaluated 2026-01-11.

Conditions:
Charcot-Marie-Tooth disease dominant intermediate E. Also called: CHARCOT-MARIE-TOOTH NEUROPATHY WITH FOCAL SEGMENTAL GLOMERULONEPHRITIS. Identifiers: Orphanet 93114, MedGen C4302667, MONDO:0013758, OMIM 614455.
Focal segmental glomerulosclerosis 5 (FSGS5). Identifiers: Orphanet 656, MedGen C2750475, MONDO:0013191, OMIM 613237.
Inborn genetic diseases. Identifiers: MedGen C0950123, MeSH D030342.

Allele frequency attached by ClinVar (database versions not stated): gnomAD 0.00004; gnomAD exomes 0.00005 and 0.00002; TOPMed 0.00003.
gnomAD v4.1: 82 of 1,612,328 alleles (0.0051%); highest among the groups gnomAD compares: Non-Finnish European, 0.0061%; no homozygotes.

Submissions (5):

Labcorp Genetics (formerly Invitae), Labcorp
Classification: Uncertain significance for Charcot-Marie-Tooth disease dominant intermediate E; Focal segmental glomerulosclerosis 5. Last evaluated: 2026-01-11. Review status: criteria provided, single submitter. Criteria: Invitae Variant Classification Sherloc (09022015). Collection method: clinical testing. Allele origin: germline.
Comment: This sequence change replaces aspartic acid, which is acidic and polar, with valine, which is neutral and non-polar, at codon 1154 of the INF2 protein (p.Asp1154Val). The frequency data for this variant in the population databases is considered unreliable, as metrics indicate poor data quality at this position in the gnomAD database. This variant has not been reported in the literature in individuals affected with INF2-related conditions. ClinVar contains an entry for this variant (Variation ID: 938057). Invitae Evidence Modeling of protein sequence and biophysical properties (such as structural, functional, and spatial information, amino acid conservation, physicochemical variation, residue mobility, and thermodynamic stability) indicates that this missense variant is not expected to disrupt INF2 protein function with a negative predictive value of 95%. In summary, the available evidence is currently insufficient to determine the role of this variant in disease. Therefore, it has been classified as a Variant of Uncertain Significance.

CeGaT Center for Human Genetics Tuebingen
Classification: Likely benign. Last evaluated: 2023-03-01. Review status: criteria provided, single submitter. Criteria: CeGaT Center For Human Genetics Tuebingen Variant Classification Criteria Version 2. Collection method: clinical testing. Allele origin: germline. Affected: yes. Observed: 1 variant allele.
Comment: INF2: BP4

Genetic Services Laboratory, University of Chicago
Classification: Uncertain significance. Last evaluated: 2023-01-18. Review status: criteria provided, single submitter. Criteria: ACMG Guidelines, 2015. Collection method: clinical testing. Allele origin: germline. Affected: no.
Comment: DNA sequence analysis of the INF2 gene demonstrated a sequence change, c.3461A>T, in exon 21 that results in an amino acid change, p.Asp1154Val. This sequence change has been described in the gnomAD database with a frequency of 0.004% in the non-Finnish European subpopulation (dbSNP rs753263522). The p.Asp1154Val change affects a poorly conserved amino acid residue located in a domain of the INF2 protein that is not known to be functional. In-silico pathogenicity prediction tools (SIFT, PolyPhen2, Align GVGD, REVEL) provide contradictory results for the p.Asp1154Val substitution. This sequence change does not appear to have been previously described in individuals with INF2-related disorders. Due to insufficient evidence and the lack of functional studies, the clinical significance of the p.Asp1154Val change remains unknown at this time.

Ambry Genetics
Classification: Uncertain significance for Inborn genetic diseases. Last evaluated: 2021-11-16. Review status: criteria provided, single submitter. Criteria: Ambry Variant Classification Scheme 2023. Collection method: clinical testing. Allele origin: germline.
Comment: The p.D1154V variant (also known as c.3461A>T), located in coding exon 20 of the INF2 gene, results from an A to T substitution at nucleotide position 3461. The aspartic acid at codon 1154 is replaced by valine, an amino acid with highly dissimilar properties. This amino acid position is not well conserved in available vertebrate species. In addition, this alteration is predicted to be tolerated by in silico analysis. Since supporting evidence is limited at this time, the clinical significance of this alteration remains unclear.

Fulgent Genetics
Classification: Uncertain significance for Focal segmental glomerulosclerosis 5; Charcot-Marie-Tooth disease dominant intermediate E. Last evaluated: 2021-11-02. Review status: criteria provided, single submitter. Criteria: ACMG Guidelines, 2015. Collection method: clinical testing. Allele origin: unknown.